The following is an entry in ClinVar:

NM_022081.6(HPS4):c.820G>A (p.Ala274Thr)

Gene: HPS4 (HPS4 biogenesis of lysosomal organelles complex 3 subunit 2; minus strand). Cytogenetic location: 22q12.1.
Variant type: single nucleotide variant.
Coding change: c.820G>A on transcript NM_022081.6 (MANE Select); coding-DNA position 820, G replaced by A.
Protein change: p.Ala274Thr; replaces alanine 274 with threonine.
Molecular consequence: missense variant. On other transcripts: non-coding transcript variant (8).
Genome position (GRCh38, 1-based): chr22:26,464,810, C>T on the plus strand (G>A on the coding strand, the complement: HPS4 is on the minus strand). VCF-style: chr22-26464810-C-T. GRCh37 (hg19) VCF-style: chr22-26860776-C-T.
Other names: c.820G>A, p.Ala274Thr (NM_001349896.1, NM_001349898.2, NM_001349899.2 and 4 more transcripts); c.874G>A, p.Ala292Thr (NM_001349900.2, NM_001349901.1); c.805G>A, p.Ala269Thr (NM_152841.2); short protein forms A292T, A269T, A274T.
Identifiers: ClinVar variation 1477460 (VCV001477460.8), dbSNP rs1342931519, ClinGen allele CA411028757.

ClinVar aggregate classification (germline): Uncertain significance (1 of 4 stars; one submission).

Allele frequency attached by ClinVar (database versions not stated): gnomAD 0.00001; TOPMed 0.00002.
gnomAD v4.1: 2 of 1,592,930 alleles (0.00013%); highest among the groups gnomAD compares: African/African-American, 0.0014%; no homozygotes.

Submission:

Labcorp Genetics (formerly Invitae), Labcorp
Classification: Uncertain significance. Last evaluated: 2021-02-19. Review status: criteria provided, single submitter. Criteria: Invitae Variant Classification Sherloc (09022015). Collection method: clinical testing. Allele origin: germline.
Comment: This variant has not been reported in the literature in individuals with HPS4-related conditions. In summary, the available evidence is currently insufficient to determine the role of this variant in disease. Therefore, it has been classified as a Variant of Uncertain Significance. Algorithms developed to predict the effect of missense changes on protein structure and function (SIFT, PolyPhen-2, Align-GVGD) all suggest that this variant is likely to be tolerated, but these predictions have not been confirmed by published functional studies and their clinical significance is uncertain. This variant is not present in population databases (ExAC no frequency). This sequence change replaces alanine with threonine at codon 274 of the HPS4 protein (p.Ala274Thr). The alanine residue is weakly conserved and there is a small physicochemical difference between alanine and threonine.